The following is an entry in ClinVar:

ClinVar aggregate classification (germline): Uncertain significance (1 of 4 stars; one submission).

Allele frequency attached by ClinVar (database versions not stated): gnomAD exomes 0.00001.
gnomAD v4.1: 9 of 1,611,032 alleles (0.00056%); highest among the groups gnomAD compares: Non-Finnish European, 0.00068%; no homozygotes.

Submission:

Labcorp Genetics (formerly Invitae), Labcorp
Classification: Uncertain significance. Last evaluated: 2025-03-17. Review status: criteria provided, single submitter. Criteria: Invitae Variant Classification Sherloc (09022015). Collection method: clinical testing. Allele origin: germline.
Comment: This sequence change replaces threonine, which is neutral and polar, with isoleucine, which is neutral and non-polar, at codon 800 of the WHRN protein (p.Thr800Ile). This variant is not present in population databases (gnomAD no frequency). This variant has not been reported in the literature in individuals affected with WHRN-related conditions. ClinVar contains an entry for this variant (Variation ID: 1909680). An algorithm developed to predict the effect of missense changes on protein structure and function (PolyPhen-2) suggests that this variant is likely to be tolerated. In summary, the available evidence is currently insufficient to determine the role of this variant in disease. Therefore, it has been classified as a Variant of Uncertain Significance.

NM_015404.4(WHRN):c.2399C>T (p.Thr800Ile)

Gene: WHRN (whirlin; minus strand). Cytogenetic location: 9q32.
Variant type: single nucleotide variant.
Coding change: c.2399C>T on transcript NM_015404.4 (MANE Select); coding-DNA position 2399, C replaced by T.
Protein change: p.Thr800Ile; replaces threonine 800 with isoleucine.
Molecular consequence: missense variant.
Genome position (GRCh38, 1-based): chr9:114,403,915, G>A on the plus strand (C>T on the coding strand, the complement: WHRN is on the minus strand). VCF-style: chr9-114403915-G-A. GRCh37 (hg19) VCF-style: chr9-117166195-G-A.
Other names: c.1250C>T, p.Thr417Ile (NM_001083885.3); c.2396C>T, p.Thr799Ile (NM_001173425.2); c.1346C>T, p.Thr449Ile (NM_001346890.1); short protein forms T417I, T449I, T800I, T799I.
Identifiers: ClinVar variation 1909680 (VCV001909680.5), dbSNP rs776704064, ClinGen allele CA198649091.
Genomic context (GRCh38, chr9:114,403,915, plus strand): 5'-TGTTCCTCTCAGCCCTCTGCATCCTCCTCCTCCTGGCTCACCGGTTTGTTGGCCCCATCT[G>A]TGGGCCTCTCGTTCCGAGGCAGCTCCTTGCTACTCCTGCTCTTGGTGGACACCGACTGCC-3'
Protein context (NP_056219.3, residues 790-810): SKELPRNERP[Thr800Ile]DGANKPPGLL